The following is an entry in ClinVar:

ClinVar aggregate classification (germline): Likely pathogenic (1 of 4 stars; one submission).

Conditions:
Ehlers-Danlos syndrome, classic type, 1 (EDSCL1). Also called: EHLERS-DANLOS SYNDROME, GRAVIS TYPE; EHLERS-DANLOS SYNDROME, SEVERE CLASSIC TYPE; Ehlers-Danlos syndrome, type 1; Ehlers-Danlos Syndrome, Classic Type, COL5A1-Related; EDS I. Identifiers: MedGen C0268335, MONDO:0019567, OMIM 130000.
Osteogenesis imperfecta type I (OI1). Also called: OI, TYPE I; OSTEOGENESIS IMPERFECTA TARDA; OSTEOGENESIS IMPERFECTA WITH BLUE SCLERAE; Osteogenesis imperfecta type 1; Lobstein's Disease; Lobstein disease. Identifiers: Orphanet 216796, Orphanet 666, MedGen C0023931, MONDO:0008146, OMIM 166200. Disease mechanism: loss of function.

Submission:

Labcorp Genetics (formerly Invitae), Labcorp
Classification: Likely pathogenic for Osteogenesis imperfecta type I; Ehlers-Danlos syndrome, classic type, 1. Last evaluated: 2025-08-15. Review status: criteria provided, single submitter. Criteria: Invitae Variant Classification Sherloc (09022015). Collection method: clinical testing. Allele origin: germline.
Comment: This sequence change replaces glycine, which is neutral and non-polar, with aspartic acid, which is acidic and polar, at codon 604 of the COL1A2 protein (p.Gly604Asp). This variant is not present in population databases (gnomAD no frequency). This variant has not been reported in the literature in individuals affected with COL1A2-related conditions. ClinVar contains an entry for this variant (Variation ID: 1496767). Invitae Evidence Modeling of protein sequence and biophysical properties (such as structural, functional, and spatial information, amino acid conservation, physicochemical variation, residue mobility, and thermodynamic stability) indicates that this missense variant is expected to disrupt COL1A2 protein function with a positive predictive value of 95%. This variant disrupts the triple helix domain of COL1A2. Glycine residues within the Gly-Xaa-Yaa repeats of the triple helix domain are required for the structure and stability of fibrillar collagens (PMID: 7695699, 8218237, 19344236). In COL1A2, variants affecting these glycine residues are significantly enriched in individuals with disease (PMID: 9016532, 17078022) compared to the general population (ExAC). In summary, the currently available evidence indicates that the variant is pathogenic, but additional data are needed to prove that conclusively. Therefore, this variant has been classified as Likely Pathogenic.

Literature cited by the submitters: PubMed 7695699; PubMed 8218237; PubMed 19344236; PubMed 9016532; PubMed 17078022.

NM_000089.4(COL1A2):c.1811G>A (p.Gly604Asp)

Gene: COL1A2 (collagen type I alpha 2 chain; plus strand). Cytogenetic location: 7q21.3.
Variant type: single nucleotide variant.
Coding change: c.1811G>A on transcript NM_000089.4 (MANE Select); coding-DNA position 1811, G replaced by A.
Protein change: p.Gly604Asp; replaces glycine 604 with aspartic acid.
Molecular consequence: missense variant.
Genome position (GRCh38, 1-based): chr7:94,416,451, G>A. VCF-style: chr7-94416451-G-A. GRCh37 (hg19) VCF-style: chr7-94045763-G-A.
Other names: short protein forms G604D.
Identifiers: ClinVar variation 1496767 (VCV001496767.8), dbSNP rs2115917059, ClinGen allele CA368222648.